The following is an entry in ClinVar:

NM_005263.5(GFI1):c.1088C>T (p.Thr363Ile)

Gene: GFI1 (growth factor independent 1 transcriptional repressor; minus strand). Cytogenetic location: 1p22.1.
Variant type: single nucleotide variant.
Coding change: c.1088C>T on transcript NM_005263.5 (MANE Select); coding-DNA position 1088, C replaced by T.
Protein change: p.Thr363Ile; replaces threonine 363 with isoleucine.
Molecular consequence: missense variant.
Genome position (GRCh38, 1-based): chr1:92,478,590, G>A on the plus strand (C>T on the coding strand, the complement: GFI1 is on the minus strand). VCF-style: chr1-92478590-G-A. GRCh37 (hg19) VCF-style: chr1-92944147-G-A.
Other names: c.1088C>T, p.Thr363Ile (NM_001127215.3, NM_001127216.3); short protein forms T363I.
Identifiers: ClinVar variation 5022364 (VCV005022364.1).
Genomic context (GRCh38, chr1:92,478,590, plus strand): 5'-AGATGAGTAATGTTGGCCTCAGGGTGTTTCCTACAAGCCAAGGGCCTTTTTAGCTCACCA[G>A]TGTGGATGAAAGTGTGTTTCTTCATGTCTGACTTCTGGTGGAACCTCTTGCCACAGTACT-3'
Protein context (NP_005254.2, residues 353-373): SDMKKHTFIH[Thr363Ile]GEKPHKCQVC

ClinVar aggregate classification (germline): Uncertain significance (1 of 4 stars; one submission).

gnomAD v4.1: 1 of 1,613,856 alleles (0.000062%); highest among the groups gnomAD compares: Non-Finnish European, 0.000085%; no homozygotes.

Submission:

Ambry Genetics
Classification: Uncertain significance. Last evaluated: 2026-06-20. Review status: criteria provided, single submitter. Criteria: Ambry Variant Classification Scheme 2023. Collection method: clinical testing. Allele origin: germline.
Comment: The p.T363I variant (also known as c.1088C>T), located in coding exon 5 of the GFI1 gene, results from a C to T substitution at nucleotide position 1088. The threonine at codon 363 is replaced by isoleucine, an amino acid with similar properties. This amino acid position is conserved. In addition, this alteration is predicted to be tolerated by in silico analysis. Based on the available evidence, the clinical significance of this variant remains unclear.